The following is an entry in ClinVar:

NM_000465.4(BARD1):c.542A>G (p.Glu181Gly)

Gene: BARD1 (BRCA1 associated RING domain 1; minus strand). Cytogenetic location: 2q35.
Variant type: single nucleotide variant.
Coding change: c.542A>G on transcript NM_000465.4 (MANE Select); coding-DNA position 542, A replaced by G.
Protein change: p.Glu181Gly; replaces glutamic acid 181 with glycine.
Molecular consequence: missense variant. On other transcripts: non-coding transcript variant (2), intron variant (3).
Genome position (GRCh38, 1-based): chr2:214,781,332, T>C on the plus strand (A>G on the coding strand, the complement: BARD1 is on the minus strand). VCF-style: chr2-214781332-T-C. GRCh37 (hg19) VCF-style: chr2-215646056-T-C.
Other names: c.485A>G, p.Glu162Gly (NM_001282543.2); c.158+28080A>G (NM_001282548.2); c.215+15729A>G (NM_001282545.2); c.364+10965A>G (NM_001282549.2); short protein forms E181G, E162G.
Identifiers: ClinVar variation 237838 (VCV000237838.19), dbSNP rs878854013, ClinGen allele CA10581938.
Genomic context (GRCh38, chr2:214,781,332, plus strand): 5'-CTTGCAGAAGCCTTTTTAGCCCTCTCAGAAACATCTGCAGGAGGACTTGGGGAAACAAAT[T>C]CATATGAGTCTTGCTGAGCACTTGCATCTTTTTTTATTGCAGGCTGGGTTTGCACTGAAG-3'
Protein context (NP_000456.2, residues 171-191): KDASAQQDSY[Glu181Gly]FVSPSPPADV

ClinVar aggregate classification (germline): Uncertain significance. Review status: criteria provided, multiple submitters, no conflicts (2 of 4 stars). 6 submissions from 6 submitters: Uncertain significance (6). Last evaluated 2025-11-24.

Conditions:
Hereditary cancer-predisposing syndrome. Also called: Neoplastic Syndromes, Hereditary; Hereditary Cancer Syndrome; Tumor predisposition; Hereditary neoplastic syndrome. Identifiers: Orphanet 140162, MedGen C0027672, MeSH D009386, MONDO:0015356.
Familial cancer of breast. Also called: hereditary breast carcinoma; BREAST CANCER, FAMILIAL; Hereditary breast cancer. Identifiers: Orphanet 227535, MedGen C0346153, MONDO:0016419, OMIM 114480. Disease mechanism: loss of function.

Allele frequency attached by ClinVar (database versions not stated): TOPMed below 0.00001; gnomAD 0.00001.
gnomAD v4.1: 1 of 1,613,136 alleles (0.000062%); highest among the groups gnomAD compares: Non-Finnish European, 0.000085%; no homozygotes.

Submissions (6):

Praxis Für Humangenetik, Biosciencia MVZ Labor Saar
Classification: Uncertain significance for Hereditary cancer-predisposing syndrome. Last evaluated: 2025-11-24. Review status: criteria provided, single submitter. Criteria: ACMG Guidelines, 2015. Collection method: clinical testing. Allele origin: germline.
Comment: PM2

GeneDx
Classification: Uncertain significance. Last evaluated: 2024-06-04. Review status: criteria provided, single submitter. Criteria: GeneDx Variant Classification Process June 2021. Collection method: clinical testing. Allele origin: germline. Affected: yes.
Comment: Not observed at significant frequency in large population cohorts (gnomAD); In silico analysis supports that this missense variant has a deleterious effect on protein structure/function; Has not been previously published as pathogenic or benign to our knowledge; This variant is associated with the following publications: (PMID: 37271214)

Labcorp Genetics (formerly Invitae), Labcorp
Classification: Uncertain significance for Familial cancer of breast. Last evaluated: 2024-04-22. Review status: criteria provided, single submitter. Criteria: Invitae Variant Classification Sherloc (09022015). Collection method: clinical testing. Allele origin: germline.
Comment: This sequence change replaces glutamic acid, which is acidic and polar, with glycine, which is neutral and non-polar, at codon 181 of the BARD1 protein (p.Glu181Gly). This variant is not present in population databases (gnomAD no frequency). This variant has not been reported in the literature in individuals affected with BARD1-related conditions. ClinVar contains an entry for this variant (Variation ID: 237838). An algorithm developed to predict the effect of missense changes on protein structure and function (PolyPhen-2) suggests that this variant is likely to be disruptive. In summary, the available evidence is currently insufficient to determine the role of this variant in disease. Therefore, it has been classified as a Variant of Uncertain Significance.

Color Diagnostics, LLC DBA Color Health
Classification: Uncertain significance for Hereditary cancer-predisposing syndrome. Last evaluated: 2024-03-06. Review status: criteria provided, single submitter. Criteria: ACMG Guidelines, 2015. Collection method: clinical testing. Allele origin: germline.
Comment: This missense variant replaces glutamic acid with glycine at codon 181 of the BARD1 protein. Computational prediction suggests that this variant may not impact protein structure and function (internally defined REVEL score threshold <= 0.5, PMID: 27666373). To our knowledge, functional studies have not been reported for this variant. This variant has not been reported in individuals affected with hereditary cancer in the literature. This variant has not been identified in the general population by the Genome Aggregation Database (gnomAD). The available evidence is insufficient to determine the role of this variant in disease conclusively. Therefore, this variant is classified as a Variant of Uncertain Significance.

Baylor Genetics
Classification: Uncertain significance for Familial cancer of breast. Last evaluated: 2024-02-23. Review status: criteria provided, single submitter. Criteria: ACMG Guidelines, 2015. Collection method: clinical testing. Allele origin: unknown.

Ambry Genetics
Classification: Uncertain significance for Hereditary cancer-predisposing syndrome. Last evaluated: 2021-02-25. Review status: criteria provided, single submitter. Criteria: Ambry Variant Classification Scheme 2023. Collection method: clinical testing. Allele origin: germline.
Comment: The p.E181G variant (also known as c.542A>G), located in coding exon 4 of the BARD1 gene, results from an A to G substitution at nucleotide position 542. The glutamic acid at codon 181 is replaced by glycine, an amino acid with similar properties. This amino acid position is not well conserved in available vertebrate species. In addition, this alteration is predicted to be tolerated by in silico analysis. Since supporting evidence is limited at this time, the clinical significance of this alteration remains unclear.